The following is an entry in ClinVar:

NM_017882.3(CLN6):c.665+1G>A

Gene: CLN6 (CLN6 transmembrane ER protein; minus strand). Cytogenetic location: 15q23.
Variant type: single nucleotide variant.
Coding change: c.665+1G>A on transcript NM_017882.3 (MANE Select); the canonical splice donor site of the intron after coding-DNA position 665, G replaced by A.
Molecular consequence: splice donor variant.
Genome position (GRCh38, 1-based): chr15:68,209,636, C>T on the plus strand (G>A on the coding strand, the complement: CLN6 is on the minus strand). VCF-style: chr15-68209636-C-T. GRCh37 (hg19) VCF-style: chr15-68501974-C-T.
Other names: c.761+1G>A (NM_001411068.1).
Identifiers: ClinVar variation 205171 (VCV000205171.16), dbSNP rs796052356, ClinGen allele CA313971.
Genomic context (GRCh38, chr15:68,209,636, plus strand): 5'-ATTTTGCTGCCGTGGCTCTCTCAGTGCCCCTGCCTCTGCCCCCATGCTGATGTCCACTCA[C>T]CAGTAGTACAGGCCACTGGGTGCCACCAGGAGCAGGGCAGGCCCTGGAATCAAGCTCTCA-3'

ClinVar aggregate classification (germline): Pathogenic/Likely pathogenic. Review status: criteria provided, multiple submitters, no conflicts (2 of 4 stars). 3 submissions from 3 submitters: Pathogenic (1); Likely pathogenic (2). Last evaluated 2023-05-02.

Conditions:
Neuronal ceroid lipofuscinosis. Also called: Neuronal Ceroid Lipofuscinoses. Identifiers: Orphanet 216, Orphanet 79263, MedGen C0027877, MONDO:0016295. Disease mechanism: loss of function.

Allele frequency attached by ClinVar (database versions not stated): gnomAD exomes below 0.00001 and 0.00001.
gnomAD v4.1: 16 of 1,612,552 alleles (0.00099%); highest among the groups gnomAD compares: Non-Finnish European, 0.0014%; no homozygotes.

Submissions (3):

Broad Center for Mendelian Genomics, Broad Institute of MIT and Harvard
Classification: Likely pathogenic for Neuronal ceroid lipofuscinosis. Last evaluated: 2023-05-02. Review status: criteria provided, single submitter. Criteria: ACMG Guidelines, 2015. Collection method: curation. Allele origin: germline. Inheritance: Autosomal recessive inheritance.
Comment: The homozygous c.665+1G>A variant in CLN6 was identified by our study in two siblings with neuronal ceroid lipofuscinosis. The c.665+1G>A variant in CLN6 has been previously reported in one individual with neuronal ceroid lipofuscinosis 6A (PMID: 34849271), but has been identified in 0.0009% (1/113632) of European (non-Finnish) chromosomes by the Genome Aggregation Database (gnomAD; dbSNP ID: rs796052356). Although this variant has been seen in the general population in a heterozygous state, its frequency is low enough to be consistent with a recessive carrier frequency. This variant has also been reported in ClinVar (Variation ID: 205171) and has been interpreted as pathogenic by GeneDx and as likely pathogenic by Invitae. The affected individual previously reported was a homozygote (PMID: 34849271), and the two siblings identified by our study were also homozygotes, which increases the likelihood that the c.665+1G>A variant is pathogenic. A different nucleotide change that also results in a splice donor variant at the same site, c.665+1G>T (ClinVar Variation ID: 1027501) has been previously reported likely pathogenic, and the variant being assessed here, c.665+1G>A, is predicted by SpliceAI to have a similar effect on splicing. This variant is located in the 5' splice region. Computational tools predict a splicing impact, though this information is not predictive enough to determine pathogenicity. There is an in-frame cryptic splice site 123 bases from the intron-exon boundary, providing evidence that this variant may delete 41 amino acids instead of causing loss of function. However, this information is not predictive enough to determine pathogenicity. Loss of function of the CLN6 gene is an established disease mechanism in autosomal recessive neuronal ceroid lipofuscinosis. In summary, although additional studies are required to fully establish its clinical significance, this variant is likely pathogenic for autosomal recessive neuronal ceroid lipofuscinosis. ACMG/AMP Criteria applied: PVS1_Strong, PS1_Supporting, PM2_Supporting, PM3 (Richards 2015).

Labcorp Genetics (formerly Invitae), Labcorp
Classification: Likely pathogenic for Neuronal ceroid lipofuscinosis. Last evaluated: 2022-10-07. Review status: criteria provided, single submitter. Criteria: Invitae Variant Classification Sherloc (09022015). Collection method: clinical testing. Allele origin: germline.
Comment: This sequence change affects a donor splice site in intron 6 of the CLN6 gene. While this variant is not anticipated to result in nonsense mediated decay, it likely alters RNA splicing and results in a disrupted protein product. This variant is present in population databases (rs796052356, gnomAD 0.0009%). This variant has not been reported in the literature in individuals affected with CLN6-related conditions. ClinVar contains an entry for this variant (Variation ID: 205171). Variants that disrupt the consensus splice site are a relatively common cause of aberrant splicing (PMID: 17576681, 9536098). Algorithms developed to predict the effect of sequence changes on RNA splicing suggest that this variant may disrupt the consensus splice site. This variant disrupts the p.Met241 amino acid residue in CLN6. Other variant(s) that disrupt this residue have been determined to be pathogenic (PMID: 12815591, 18811591, 20430023; Invitae). This suggests that this residue is clinically significant, and that variants that disrupt this residue are likely to be disease-causing. In summary, the currently available evidence indicates that the variant is pathogenic, but additional data are needed to prove that conclusively. Therefore, this variant has been classified as Likely Pathogenic.

GeneDx
Classification: Pathogenic. Last evaluated: 2014-05-05. Review status: criteria provided, single submitter. Criteria: GeneDx Variant Classification (06012015). Collection method: clinical testing. Allele origin: germline. Affected: yes.
Comment: c.665+1 G>A: IVS6+1 G>A in intron 6 of the CLN6 gene (NM_017882.2). The c.665+1 G>A splice site mutation in the CLN6 gene destroys the canonical splice donor site in intron 6. This mutation is predicted to cause abnormal gene splicing, either leading to an abnormal message that is subject to nonsense-mediated mRNA decay, or to an abnormal protein product if the message is used for protein translation. Although this mutation has not been previously reported to our knowledge, homozygosity for this mutation is consistent with a diagnosis of neuronal ceroid lipofuscinosis (NCL). The variant is found in EPILEPSY panel(s).

Literature cited by the submitters: PubMed 17576681 (cited by Labcorp Genetics (formerly Invitae), Labcorp); PubMed 9536098 (cited by Labcorp Genetics (formerly Invitae), Labcorp); PubMed 12815591 (cited by Labcorp Genetics (formerly Invitae), Labcorp); PubMed 18811591 (cited by Labcorp Genetics (formerly Invitae), Labcorp); PubMed 20430023 (cited by Labcorp Genetics (formerly Invitae), Labcorp).